The following is an entry in ClinVar:

NM_000891.3(KCNJ2):c.*1596A>C

Gene: KCNJ2 (potassium inwardly rectifying channel subfamily J member 2; plus strand). Cytogenetic location: 17q24.3.
Variant type: single nucleotide variant.
Coding change: c.*1596A>C on transcript NM_000891.3 (MANE Select); 1596 bases downstream of the stop codon, A replaced by C.
Molecular consequence: 3 prime UTR variant.
Genome position (GRCh38, 1-based): chr17:70,177,919, A>C. VCF-style: chr17-70177919-A-C. GRCh37 (hg19) VCF-style: chr17-68174060-A-C.
Identifiers: ClinVar variation 324859 (VCV000324859.7), dbSNP rs117409545, ClinGen allele CA10650788.
Genomic context (GRCh38, chr17:70,177,919, plus strand): 5'-CTGTGTGCATACTTATGACTGAATGTGAGCTAAGCATTTTCTCCTGTGGAGCCCTAGAGC[A>C]GGTTACTAAGGAAGGACACATTGTTTTCCAGAAGCCTCCCCTGCCTGGCTGACTGCCTTG-3'

ClinVar aggregate classification (germline): Benign/Likely benign. Review status: criteria provided, multiple submitters, no conflicts (2 of 4 stars). 5 submissions from 3 submitters: Benign (2); Likely benign (3). Last evaluated 2021-05-12.

Conditions:
Atrial fibrillation, familial, 9 (ATFB9). Identifiers: MedGen C3151431, MONDO:0013513, OMIM 613980.
Andersen Tawil syndrome (LQT7). Also called: Potassium-sensitive periodic paralysis, ventricular ectopy, and dysmorphic features; ANDERSEN CARDIODYSRHYTHMIC PERIODIC PARALYSIS; LONG QT SYNDROME 7; PERIODIC PARALYSIS, POTASSIUM-SENSITIVE CARDIODYSRHYTHMIC TYPE; Andersen Syndrome. Identifiers: Orphanet 37553, MedGen C1563715, MONDO:0008222, OMIM 170390.
Short QT syndrome type 3. Identifiers: Orphanet 51083, MedGen C1865018, MONDO:0012314, OMIM 609622.

Allele frequency attached by ClinVar (database versions not stated): 1000 Genomes Project 30x 0.01296; 1000 Genomes Project 0.01378; gnomAD exomes 0.01722; TOPMed 0.02206; gnomAD 0.02315 and 0.02347.
gnomAD v4.1: 3,789 of 166,866 alleles (2.3%); highest among the groups gnomAD compares: Non-Finnish European, 3.8%; 55 homozygotes.

Submissions (5):

GeneDx
Classification: Likely benign. Last evaluated: 2021-05-12. Review status: criteria provided, single submitter. Criteria: GeneDx Variant Classification Process June 2021. Collection method: clinical testing. Allele origin: germline. Affected: yes.

Illumina Laboratory Services, Illumina
Classification: Benign for Short QT syndrome type 3. Last evaluated: 2018-01-12. Review status: criteria provided, single submitter. Criteria: ICSL Variant Classification Criteria 13 December 2019. Collection method: clinical testing. Allele origin: germline.
Comment: This variant was observed in the ICSL laboratory as part of a predisposition screen in an ostensibly healthy population. It had not been previously curated by ICSL or reported in the Human Gene Mutation Database (HGMD: prior to June 1st, 2018), and was therefore a candidate for classification through an automated scoring system. Utilizing variant allele frequency, disease prevalence and penetrance estimates, and inheritance mode, an automated score was calculated to assess if this variant is too frequent to cause the disease. Based on the score and internal cut-off values, a variant classified as benign is not then subjected to further curation. The score for this variant resulted in a classification of benign for this disease.

Illumina Laboratory Services, Illumina
Classification: Likely benign for Atrial fibrillation, familial, 9. Last evaluated: 2018-01-12. Review status: criteria provided, single submitter. Criteria: ICSL Variant Classification Criteria 13 December 2019. Collection method: clinical testing. Allele origin: germline.
Comment: This variant was observed in the ICSL laboratory as part of a predisposition screen in an ostensibly healthy population. It had not been previously curated by ICSL or reported in the Human Gene Mutation Database (HGMD: prior to June 1st, 2018), and was therefore a candidate for classification through an automated scoring system. Utilizing variant allele frequency, disease prevalence and penetrance estimates, and inheritance mode, an automated score was calculated to assess if this variant is too frequent to cause the disease. Based on the score and internal cut-off values, a variant classified as likely benign is not then subjected to further curation. The score for this variant resulted in a classification of likely benign for this disease.

Illumina Laboratory Services, Illumina
Classification: Benign for Andersen Tawil syndrome. Last evaluated: 2018-01-12. Review status: criteria provided, single submitter. Criteria: ICSL Variant Classification Criteria 13 December 2019. Collection method: clinical testing. Allele origin: germline.
Comment: the same text as in the submission from Illumina Laboratory Services, Illumina above.

Breakthrough Genomics
Classification: Likely benign. Review status: criteria provided, single submitter. Criteria: ACMG Guidelines, 2015. Collection method: not provided. Allele origin: germline. Inheritance: Autosomal dominant inheritance. Affected: yes.